The following is an entry in ClinVar:

NM_000827.4(GRIA1):c.82+335G>T

Gene: GRIA1 (glutamate ionotropic receptor AMPA type subunit 1; plus strand). Cytogenetic location: 5q33.2.
Variant type: single nucleotide variant.
Coding change: c.82+335G>T on transcript NM_000827.4 (MANE Select); 335 bases into the intron after coding-DNA position 82, G replaced by T.
Molecular consequence: intron variant. On other transcripts: 5 prime UTR variant (3).
Genome position (GRCh38, 1-based): chr5:153,491,305, G>T. VCF-style: chr5-153491305-G-T. GRCh37 (hg19) VCF-style: chr5-152870865-G-T.
Other names: c.-153G>T (NM_001258023.1, NM_001364167.2); c.-4G>T (NM_001364166.2); c.-261+335G>T (NM_001258020.2); c.82+335G>T (NM_001114183.2, NM_001364165.2, NM_001258019.2).
Identifiers: ClinVar variation 3234547 (VCV003234547.20), dbSNP rs188180606, ClinGen allele CA130345380.

ClinVar aggregate classification (germline): Likely benign (1 of 4 stars; one submission).

Allele frequency attached by ClinVar (database versions not stated): gnomAD 0.00113; 1000 Genomes Project 30x 0.00125; 1000 Genomes Project 0.00140.
gnomAD v4.1: 728 of 1,222,186 alleles (0.06%); highest among the groups gnomAD compares: Admixed American, 0.3%; 2 homozygotes.

Submission:

CeGaT Center for Human Genetics Tuebingen
Classification: Likely benign. Last evaluated: 2026-08-01. Review status: criteria provided, single submitter. Criteria: CeGaT Center For Human Genetics Tuebingen Variant Classification Criteria Version 2. Collection method: clinical testing. Allele origin: germline. Affected: yes. Observed: 2 variant alleles.
Comment: GRIA1: BP4, BS2